The following is an entry in ClinVar:

NM_007294.4(BRCA1):c.5406+18T>G

Gene: BRCA1 (BRCA1 DNA repair associated; minus strand). Cytogenetic location: 17q21.31.
Variant type: single nucleotide variant.
Coding change: c.5406+18T>G on transcript NM_007294.4 (MANE Select); 18 bases into the intron after coding-DNA position 5406, T replaced by G.
Molecular consequence: intron variant.
Genome position (GRCh38, 1-based): chr17:43,049,103, A>C on the plus strand (T>G on the coding strand, the complement: BRCA1 is on the minus strand). VCF-style: chr17-43049103-A-C. GRCh37 (hg19) VCF-style: chr17-41201120-A-C.
Other names: c.1953+18T>G (NM_001408458.1, NM_001408461.1, NM_001408464.1 and 7 more transcripts); c.4515+18T>G (NM_001407967.1); c.5025+18T>G (NM_001407959.1); c.5139+18T>G (NM_001407931.1, NM_001407932.1, NM_001407928.1 and 4 more transcripts); c.5262+18T>G (NM_001407747.1, NM_001407745.1, NM_001407737.1 and 18 more transcripts); c.5022+18T>G (NM_001407962.1, NM_001407960.1); c.1593+18T>G (NM_001408512.1); c.1716+18T>G (NM_001408510.1); and 84 more.
Identifiers: ClinVar variation 865726 (VCV000865726.3), dbSNP rs2051068172, ClinGen allele CA916080810.

Conditions:
Breast-ovarian cancer, familial, susceptibility to, 1 (BROVCA1). Also called: BRCA1 Hereditary Breast and Ovarian Cancer; OVARIAN CANCER, SUSCEPTIBILITY TO. Identifiers: Orphanet 145, MedGen C2676676, MONDO:0011450, OMIM 604370. Disease mechanism: loss of function.

Submission:

Brotman Baty Institute, University of Washington
No classification provided (evidence only). Condition: Breast-ovarian cancer, familial 1. Review status: no classification provided. Collection method: in vitro. Allele origin: not applicable. Functional consequence: functionally_normal.
ClinVar note: "not provided" was previously submitted as the classification for the variant. However, the classification appeared to be based only on an observation of functional data so it was converted to no classification on 2025-07-30.